The following is an entry in ClinVar:

ClinVar aggregate classification (germline): Uncertain significance (1 of 4 stars; one submission).

Conditions:
Predisposition to Wilms tumor.

gnomAD v4.1: 14 of 1,612,780 alleles (0.00087%); highest among the groups gnomAD compares: Non-Finnish European, 0.0012%; no homozygotes.

Submission:

St. Jude Molecular Pathology, St. Jude Children's Research Hospital
Classification: Uncertain significance for Predisposition to Wilms tumor. Last evaluated: 2025-06-17. Review status: criteria provided, single submitter. Criteria: St. Jude Assertion Criteria 2020. Collection method: clinical testing. Allele origin: germline.
Comment: The NYNRIN c.1733C>T p.(Ala578Val) missense change has a maximum subpopulation frequency of 0.002% in gnomAD v2.1.1. The in silico tool REVEL predicts a benign effect on protein function, but to our knowledge this prediction has not been confirmed by functional studies. To our knowledge, this variant has not been reported in individuals with Wilms tumor. In summary, the evidence currently available is insufficient to determine the clinical significance of this variant. It has therefore been classified as of uncertain significance.

NM_025081.3(NYNRIN):c.1733C>T (p.Ala578Val)

Gene: NYNRIN (NYN domain and retroviral integrase containing; plus strand). Cytogenetic location: 14q12.
Variant type: single nucleotide variant.
Coding change: c.1733C>T on transcript NM_025081.3 (MANE Select); coding-DNA position 1733, C replaced by T.
Protein change: p.Ala578Val; replaces alanine 578 with valine.
Molecular consequence: missense variant.
Genome position (GRCh38, 1-based): chr14:24,409,527, C>T. VCF-style: chr14-24409527-C-T. GRCh37 (hg19) VCF-style: chr14-24878733-C-T.
Other names: short protein forms A578V.
Identifiers: ClinVar variation 4056112 (VCV004056112.2).